The following is an entry in ClinVar:

NM_000540.3(RYR1):c.9755A>T (p.Asp3252Val)

Gene: RYR1 (ryanodine receptor 1; plus strand). Cytogenetic location: 19q13.2.
Variant type: single nucleotide variant.
Coding change: c.9755A>T on transcript NM_000540.3 (MANE Select); coding-DNA position 9755, A replaced by T.
Protein change: p.Asp3252Val; replaces aspartic acid 3252 with valine.
Molecular consequence: missense variant.
Genome position (GRCh38, 1-based): chr19:38,517,428, A>T. VCF-style: chr19-38517428-A-T. GRCh37 (hg19) VCF-style: chr19-39008068-A-T.
Other names: c.9755A>T, p.Asp3252Val (NM_001042723.2); short protein forms D3252V.
Identifiers: ClinVar variation 4528126 (VCV004528126.1).

ClinVar aggregate classification (germline): Uncertain significance (1 of 4 stars; one submission).

Submission:

GeneDx
Classification: Uncertain significance. Last evaluated: 2025-05-06. Review status: criteria provided, single submitter. Criteria: GeneDx Variant Classification Process June 2021. Collection method: clinical testing. Allele origin: germline. Affected: yes.
Comment: Not observed at significant frequency in large population cohorts (gnomAD); In silico analysis supports that this missense variant has a deleterious effect on protein structure/function; Has not been previously published as pathogenic or benign to our knowledge